The following is an entry in ClinVar:

ClinVar aggregate classification (germline): Uncertain significance. Review status: criteria provided, multiple submitters, no conflicts (2 of 4 stars). 2 submissions from 2 submitters: Uncertain significance (2). Last evaluated 2024-09-06.

Allele frequency attached by ClinVar (database versions not stated): gnomAD 0.00001.
gnomAD v4.1: 1 of 546,766 alleles (0.00018%); highest among the groups gnomAD compares: African/African-American, 0.0019%; no homozygotes.

Submissions (2):

Labcorp Genetics (formerly Invitae), Labcorp
Classification: Uncertain significance. Last evaluated: 2024-09-06. Review status: criteria provided, single submitter. Criteria: Invitae Variant Classification Sherloc (09022015). Collection method: clinical testing. Allele origin: germline.
Comment: This sequence change replaces leucine, which is neutral and non-polar, with arginine, which is basic and polar, at codon 537 of the COL9A2 protein (p.Leu537Arg). This variant is not present in population databases (gnomAD no frequency). This variant has not been reported in the literature in individuals affected with COL9A2-related conditions. ClinVar contains an entry for this variant (Variation ID: 1462755). Invitae Evidence Modeling of protein sequence and biophysical properties (such as structural, functional, and spatial information, amino acid conservation, physicochemical variation, residue mobility, and thermodynamic stability) indicates that this missense variant is not expected to disrupt COL9A2 protein function with a negative predictive value of 95%. In summary, the available evidence is currently insufficient to determine the role of this variant in disease. Therefore, it has been classified as a Variant of Uncertain Significance.

Blueprint Genetics
Classification: Uncertain significance. Last evaluated: 2021-10-20. Review status: criteria provided, single submitter. Criteria: ACMG Guidelines, 2015. Collection method: clinical testing. Allele origin: germline.

NM_001852.4(COL9A2):c.1610T>G (p.Leu537Arg)

Gene: COL9A2 (collagen type IX alpha 2 chain; minus strand). Cytogenetic location: 1p34.2.
Variant type: single nucleotide variant.
Coding change: c.1610T>G on transcript NM_001852.4 (MANE Select); coding-DNA position 1610, T replaced by G.
Protein change: p.Leu537Arg; replaces leucine 537 with arginine.
Molecular consequence: missense variant.
Genome position (GRCh38, 1-based): chr1:40,302,803, A>C on the plus strand (T>G on the coding strand, the complement: COL9A2 is on the minus strand). VCF-style: chr1-40302803-A-C. GRCh37 (hg19) VCF-style: chr1-40768475-A-C.
Other names: short protein forms L537R.
Identifiers: ClinVar variation 1462755 (VCV001462755.9), dbSNP rs748971483, ClinGen allele CA791364.